The following is an entry in ClinVar:

NM_002709.3(PPP1CB):c.104G>A (p.Arg35Gln)

Gene: PPP1CB (protein phosphatase 1 catalytic subunit beta; plus strand). Cytogenetic location: 2p23.2.
Variant type: single nucleotide variant.
Coding change: c.104G>A on transcript NM_002709.3 (MANE Select); coding-DNA position 104, G replaced by A.
Protein change: p.Arg35Gln; replaces arginine 35 with glutamine.
Molecular consequence: missense variant.
Genome position (GRCh38, 1-based): chr2:28,776,902, G>A. VCF-style: chr2-28776902-G-A. GRCh37 (hg19) VCF-style: chr2-28999768-G-A.
Other names: c.104G>A (NM_206876.1); c.104G>A, p.Arg35Gln (NM_206876.2); short protein forms R35Q.
Identifiers: ClinVar variation 2650781 (VCV002650781.28), dbSNP rs1667056053, ClinGen allele CA346580847.
Genomic context (GRCh38, chr2:28,776,902, plus strand): 5'-GTTTGTCAGTACGAGGATGTCGTCCAGGAAAGATTGTGCAGATGACTGAAGCAGAAGTTC[G>A]AGGCTTATGTATCAAGTCTCGGGAGATCTTTCTCAGCCAGCCTATTCTTTTGGAATTGGA-3'
Protein context (NP_002700.1, residues 25-45): KIVQMTEAEV[Arg35Gln]GLCIKSREIF

ClinVar aggregate classification (germline): Conflicting classifications of pathogenicity. Review status: criteria provided, conflicting classifications (1 of 4 stars). 3 submissions from 3 submitters: Likely pathogenic (1); Uncertain significance (2). Last evaluated 2026-06-10.

Conditions:
Cardiovascular phenotype. Identifiers: MedGen CN230736.

Allele frequency attached by ClinVar (database versions not stated): gnomAD exomes below 0.00001.
gnomAD v4.1: 1 of 1,613,604 alleles (0.000062%); highest among the groups gnomAD compares: Non-Finnish European, 0.000085%; no homozygotes.

Submissions (3):

Ambry Genetics
Classification: Uncertain significance for Cardiovascular phenotype. Last evaluated: 2026-06-10. Review status: criteria provided, single submitter. Criteria: Ambry Variant Classification Scheme 2023. Collection method: clinical testing. Allele origin: germline.

CeGaT Center for Human Genetics Tuebingen
Classification: Likely pathogenic. Last evaluated: 2023-10-01. Review status: criteria provided, single submitter. Criteria: CeGaT Center For Human Genetics Tuebingen Variant Classification Criteria Version 2. Collection method: clinical testing. Allele origin: germline. Affected: yes. Observed: 1 variant allele.
Comment: PPP1CB: PS2, PM2, PP2

Labcorp Genetics (formerly Invitae), Labcorp
Classification: Uncertain significance. Last evaluated: 2023-05-01. Review status: criteria provided, single submitter. Criteria: Invitae Variant Classification Sherloc (09022015). Collection method: clinical testing. Allele origin: germline.
Comment: This variant has not been reported in the literature in individuals affected with PPP1CB-related conditions. This variant is not present in population databases (gnomAD no frequency). This sequence change replaces arginine, which is basic and polar, with glutamine, which is neutral and polar, at codon 35 of the PPP1CB protein (p.Arg35Gln). Advanced modeling of protein sequence and biophysical properties (such as structural, functional, and spatial information, amino acid conservation, physicochemical variation, residue mobility, and thermodynamic stability) performed at Invitae indicates that this missense variant is not expected to disrupt PPP1CB protein function. In summary, the available evidence is currently insufficient to determine the role of this variant in disease. Therefore, it has been classified as a Variant of Uncertain Significance.